The following is an entry in ClinVar:

ClinVar aggregate classification (germline): Likely benign (1 of 4 stars; one submission).

Allele frequency attached by ClinVar (database versions not stated): 1000 Genomes Project 30x 0.00109; 1000 Genomes Project 0.00140; ExAC 0.00142; TOPMed 0.00145; ESP Exome Variant Server 0.00216; gnomAD 0.00257; gnomAD exomes 0.00451.
gnomAD v4.1: 4,239 of 1,012,546 alleles (0.42%); highest among the groups gnomAD compares: Non-Finnish European, 0.53%; 8 homozygotes.

Submission:

CeGaT Center for Human Genetics Tuebingen
Classification: Likely benign. Last evaluated: 2024-01-01. Review status: criteria provided, single submitter. Criteria: CeGaT Center For Human Genetics Tuebingen Variant Classification Criteria Version 2. Collection method: clinical testing. Allele origin: germline. Affected: yes. Observed: 2 variant alleles.
Comment: SVEP1: BP4, BS2

NM_153366.4(SVEP1):c.10521C>T (p.Pro3507=)

Gene: SVEP1 (sushi, von Willebrand factor type A, EGF and pentraxin domain containing 1; minus strand). Cytogenetic location: 9q31.3.
Variant type: single nucleotide variant.
Coding change: c.10521C>T on transcript NM_153366.4 (MANE Select); coding-DNA position 10521, C replaced by T.
Protein change: p.Pro3507=; no amino-acid change (proline 3507 retained).
Molecular consequence: synonymous variant.
Genome position (GRCh38, 1-based): chr9:110,375,447, G>A on the plus strand (C>T on the coding strand, the complement: SVEP1 is on the minus strand). VCF-style: chr9-110375447-G-A. GRCh37 (hg19) VCF-style: chr9-113137727-G-A.
Identifiers: ClinVar variation 2659410 (VCV002659410.24), dbSNP rs180788725, ClinGen allele CA5181288.